The following is an entry in ClinVar:

NM_030973.4(MED25):c.395G>A (p.Arg132His)

Gene: MED25 (mediator complex subunit 25; plus strand). Cytogenetic location: 19q13.33.
Variant type: single nucleotide variant.
Coding change: c.395G>A on transcript NM_030973.4 (MANE Select); coding-DNA position 395, G replaced by A.
Protein change: p.Arg132His; replaces arginine 132 with histidine.
Molecular consequence: missense variant.
Genome position (GRCh38, 1-based): chr19:49,828,538, G>A. VCF-style: chr19-49828538-G-A. GRCh37 (hg19) VCF-style: chr19-50331795-G-A.
Other names: c.395G>A, p.Arg132His (NM_001378355.1); short protein forms R132H.
Identifiers: ClinVar variation 439877 (VCV000439877.9), dbSNP rs1441155267, ClinGen allele CA406912110.
Genomic context (GRCh38, chr19:49,828,538, plus strand): 5'-GCCTCATCGCGGAAGGACTCAGCACAGCCTTGCAGCTGTTTGATGACTTCAAGAAGATGC[G>A]CGAGCAGATGTGAGTGCCCCCTCCACCCAGGCCGGGCCGGTCTCTCTCTGCCTGGCCTGG-3'
Protein context (NP_112235.2, residues 122-142): LQLFDDFKKM[Arg132His]EQIGQTHRVC

ClinVar aggregate classification (germline): Uncertain significance. Review status: criteria provided, multiple submitters, no conflicts (2 of 4 stars). 2 submissions from 2 submitters: Uncertain significance (2). Last evaluated 2022-07-15.

Allele frequency attached by ClinVar (database versions not stated): gnomAD exomes below 0.00001; gnomAD 0.00001; TOPMed 0.00001.
gnomAD v4.1: 8 of 1,613,056 alleles (0.0005%); highest among the groups gnomAD compares: Non-Finnish European, 0.00059%; no homozygotes.

Submissions (2):

GeneDx
Classification: Uncertain significance. Last evaluated: 2022-07-15. Review status: criteria provided, single submitter. Criteria: GeneDx Variant Classification Process June 2021. Collection method: clinical testing. Allele origin: germline. Affected: yes.
Comment: Not observed at significant frequency in large population cohorts (gnomAD); In silico analysis supports that this missense variant has a deleterious effect on protein structure/function; Has not been previously published as pathogenic or benign to our knowledge

ARUP Laboratories, Molecular Genetics and Genomics, ARUP Laboratories
Classification: Uncertain significance. Last evaluated: 2016-12-21. Review status: criteria provided, single submitter. Criteria: ARUP Molecular Germline Variant Investigation Process. Collection method: clinical testing. Allele origin: germline.